The following is an entry in ClinVar:

ClinVar aggregate classification (germline): Pathogenic (1 of 4 stars; one submission).

Submission:

Labcorp Genetics (formerly Invitae), Labcorp
Classification: Pathogenic. Last evaluated: 2022-08-08. Review status: criteria provided, single submitter. Criteria: Invitae Variant Classification Sherloc (09022015). Collection method: clinical testing. Allele origin: germline.
Comment: This sequence change creates a premature translational stop signal (p.Cys1583*) in the VPS13A gene. It is expected to result in an absent or disrupted protein product. Loss-of-function variants in VPS13A are known to be pathogenic (PMID: 12404112, 21598378). This variant is not present in population databases (gnomAD no frequency). For these reasons, this variant has been classified as Pathogenic. This variant has not been reported in the literature in individuals affected with VPS13A-related conditions.

Literature cited by the submitters: PubMed 12404112; PubMed 21598378.

NM_033305.3(VPS13A):c.4749_4750del (p.Cys1583_Glu1584delinsTer)

Gene: VPS13A (vacuolar protein sorting 13 homolog A; plus strand). Cytogenetic location: 9q21.2.
Variant type: Microsatellite.
Coding change: c.4749_4750del on transcript NM_033305.3 (MANE Select); coding-DNA positions 4749 to 4750, 2 bases deleted (TG; older notation c.4749_4750delTG).
Protein change: p.Cys1583_Glu1584delinsTer.
Molecular consequence: nonsense.
Genome position (GRCh38, 1-based): chr9:77,316,292-77,316,293, TG deleted; deleting any 2 consecutive bases within chr9:77,316,290-77,316,293 gives the same sequence; the c. name uses the placement nearest the transcript's 3' end. VCF-style (leftmost placement, unchanged base first): chr9-77316289-ATG-A. GRCh37 (hg19) VCF-style: chr9-79931205-ATG-A.
Other names: c.4632_4633del, p.Cys1544_Glu1545delinsTer (NM_001018037.2); c.4749_4750del, p.Cys1583_Glu1584delinsTer (NM_001018038.3, NM_015186.4).
Identifiers: ClinVar variation 2022730 (VCV002022730.4), dbSNP rs760034724, ClinGen allele CA5092595.